The following is an entry in ClinVar:

ClinVar aggregate classification (germline): Uncertain significance (1 of 4 stars; one submission).

Conditions:
Hereditary cancer-predisposing syndrome. Also called: Hereditary neoplastic syndrome; Neoplastic Syndromes, Hereditary; Tumor predisposition; Hereditary Cancer Syndrome. Identifiers: Orphanet 140162, MedGen C0027672, MeSH D009386, MONDO:0015356.

Submission:

Ambry Genetics
Classification: Uncertain significance for Hereditary cancer-predisposing syndrome. Last evaluated: 2024-12-23. Review status: criteria provided, single submitter. Criteria: Ambry Variant Classification Scheme 2023. Collection method: clinical testing. Allele origin: germline.
Comment: The p.L987Q variant (also known as c.2960T>A), located in coding exon 17 of the DICER1 gene, results from a T to A substitution at nucleotide position 2960. The leucine at codon 987 is replaced by glutamine, an amino acid with dissimilar properties. This amino acid position is conserved. In addition, this alteration is predicted to be deleterious by in silico analysis. Based on the available evidence, the clinical significance of this variant remains unclear.

NM_177438.3(DICER1):c.2960T>A (p.Leu987Gln)

Gene: DICER1 (dicer 1, ribonuclease III; minus strand). Cytogenetic location: 14q32.13.
Variant type: single nucleotide variant.
Coding change: c.2960T>A on transcript NM_177438.3 (MANE Select); coding-DNA position 2960, T replaced by A.
Protein change: p.Leu987Gln; replaces leucine 987 with glutamine.
Molecular consequence: missense variant. On other transcripts: non-coding transcript variant (6).
Genome position (GRCh38, 1-based): chr14:95,106,068, A>T on the plus strand (T>A on the coding strand, the complement: DICER1 is on the minus strand). VCF-style: chr14-95106068-A-T. GRCh37 (hg19) VCF-style: chr14-95572405-A-T.
Other names: c.2960T>A, p.Leu987Gln (NM_001195573.1, NM_001271282.3, NM_001291628.2 and 12 more transcripts); c.2678T>A, p.Leu893Gln (NM_001395686.1); c.2555T>A, p.Leu852Gln (NM_001395687.1, NM_001395688.1, NM_001395689.1 and 2 more transcripts); c.2393T>A, p.Leu798Gln (NM_001395691.1); c.1277T>A, p.Leu426Gln (NM_001395697.1); short protein forms L893Q, L426Q, L987Q, L798Q, L852Q.
Identifiers: ClinVar variation 3839994 (VCV003839994.1).
Genomic context (GRCh38, chr14:95,106,068, plus strand): 5'-TGCAATCCAAGTGTCATCTCTGAAGCCCCTTACCTTGAAGATGTGTGGTCCACATCCAGC[A>T]GTGGCTGGTTGAGATTGGTTAGGTCAAGGTTGTACTTTGTTTTATAATATTCTGCAAAAG-3'
Protein context (NP_803187.1, residues 977-997): NLDLTNLNQP[Leu987Gln]LDVDHTSSRL